The following is an entry in ClinVar:

NM_003742.4(ABCB11):c.542G>T (p.Arg181Ile)

Gene: ABCB11 (ATP binding cassette subfamily B member 11; minus strand). Cytogenetic location: 2q31.1.
Variant type: single nucleotide variant.
Coding change: c.542G>T on transcript NM_003742.4 (MANE Select); coding-DNA position 542, G replaced by T.
Protein change: p.Arg181Ile; replaces arginine 181 with isoleucine.
Molecular consequence: missense variant.
Genome position (GRCh38, 1-based): chr2:168,995,418, C>A on the plus strand (G>T on the coding strand, the complement: ABCB11 is on the minus strand). VCF-style: chr2-168995418-C-A. GRCh37 (hg19) VCF-style: chr2-169851928-C-A.
Other names: short protein forms R181I.
Identifiers: ClinVar variation 4846148 (VCV004846148.1).

ClinVar aggregate classification (germline): Uncertain significance (1 of 4 stars; one submission).

Conditions:
Familial intrahepatic cholestasis. Identifiers: Orphanet 284385, MedGen CN296401, MONDO:0017290.

Submission:

Genomenon, Inc
Classification: Uncertain significance for Familial intrahepatic cholestasis. Last evaluated: 2026-04-14. Review status: criteria provided, single submitter. Criteria: Genomenon Sequence Variant Interpretation Standards - Updated. Collection method: curation. Allele origin: germline. Affected: yes.
Comment: ABCB11 p.Arg181Ile (c.542G>T) is a missense variant that changes the amino acid at residue 181 from Arginine to Isoleucine. This variant has been observed in at least one individual with features of an ABCB11-related disorder (PMID:32808743;26382629;27050426). It is absent or not present at a significant frequency in gnomAD. In conclusion, we classify ABCB11 p.Arg181Ile (c.542G>T) as a variant of uncertain significance.

Literature cited by the submitters: PubMed 32808743; PubMed 26382629; PubMed 27050426.